The following is an entry in ClinVar:

NM_024753.5(TTC21B):c.3044del (p.Arg1015fs)

Gene: TTC21B (tetratricopeptide repeat domain 21B; minus strand). Cytogenetic location: 2q24.3.
Variant type: Deletion.
Coding change: c.3044del on transcript NM_024753.5 (MANE Select); coding-DNA position 3044, one base deleted (G; older notation c.3044delG).
Protein change: p.Arg1015fs; shifts the reading frame from arginine 1015.
Molecular consequence: frameshift variant.
Genome position (GRCh38, 1-based): chr2:165,890,895, C deleted on the plus strand (G on the coding strand, the reverse complement: TTC21B is on the minus strand). VCF-style (leftmost placement, unchanged base first): chr2-165890894-AC-A. GRCh37 (hg19) VCF-style: chr2-166747404-AC-A.
Other names: short protein forms R1015fs.
Identifiers: ClinVar variation 1363403 (VCV001363403.6), dbSNP rs2105292027, ClinGen allele CA2573133472.

ClinVar aggregate classification (germline): Pathogenic (1 of 4 stars; one submission).

Conditions:
Jeune thoracic dystrophy. Also called: Jeune syndrome; Infantile thoracic dystrophy; Thoracic pelvic phalangeal dystrophy; Jeune's syndrome; Chondroectodermal dysplasia-like syndrome; Short-rib thoracic dysplasia. Identifiers: Orphanet 474, MedGen C0265275, MONDO:0018770.
Nephronophthisis. Also called: Juvenile Nephronophthisis. Identifiers: Orphanet 655, MedGen C0687120, MONDO:0019005, HP:0000090.

Allele frequency attached by ClinVar (database versions not stated): gnomAD exomes below 0.00001.

Submission:

Labcorp Genetics (formerly Invitae), Labcorp
Classification: Pathogenic for Jeune thoracic dystrophy; Nephronophthisis. Last evaluated: 2022-06-13. Review status: criteria provided, single submitter. Criteria: Invitae Variant Classification Sherloc (09022015). Collection method: clinical testing. Allele origin: germline.
Comment: For these reasons, this variant has been classified as Pathogenic. This variant has not been reported in the literature in individuals affected with TTC21B-related conditions. This variant is not present in population databases (gnomAD no frequency). This sequence change creates a premature translational stop signal (p.Arg1015Leufs*49) in the TTC21B gene. It is expected to result in an absent or disrupted protein product. Loss-of-function variants in TTC21B are known to be pathogenic (PMID: 18327258, 21068128, 21258341, 23559409, 24876116, 25492405, 27491411, 29068549).

Literature cited by the submitters: PubMed 18327258; PubMed 21068128; PubMed 21258341; PubMed 23559409; PubMed 24876116; PubMed 25492405; PubMed 27491411; PubMed 29068549.